The following is an entry in ClinVar:

ClinVar aggregate classification (germline): Pathogenic. Review status: reviewed by expert panel (3 of 4 stars). 4 submissions from 4 submitters: Pathogenic (1). 3 of the submissions do not count toward it. Last evaluated 2025-09-29.

Conditions:
AIPL1-related retinopathy. Also called: AIPL1 retinopathy. Identifiers: MedGen CN305590, MONDO:0100438.
Leber congenital amaurosis 4 (LCA4). Identifiers: MedGen C1858386, MONDO:0011458, OMIM 604393.

Allele frequency attached by ClinVar (database versions not stated): gnomAD exomes below 0.00001.

Submissions (4):

ClinGen Leber Congenital Amaurosis/early Onset Retinal Dystrophy Variant Curation Expert Panel, ClinGen
Classification: Pathogenic for AIPL1-related retinopathy. Last evaluated: 2025-09-29. Review status: reviewed by expert panel. Criteria: ClinGen LCAeoRD ACMG Specifications AIPL1 V1.0.0. Collection method: curation. Allele origin: germline. Inheritance: Autosomal recessive inheritance.
Comment: NM_014336.5(AIPL1):c.487C>T (p.Gln163Ter) is a nonsense variant that introduces a premature stop codon into exon 4 of 6 and is predicted to lead to nonsense-mediated decay in a gene in which loss-of-function is an established mechanism of disease (PVS1). This variant is absent from gnomAD v4.1.0 (PM2_Supporting). This variant has been reported in at least 2 unrelated probands with early-onset severe retinal dystrophy who were homozygous for the variant (PMIDs: 10873396, 16123401) (1 total point, PM3). The variant has been reported to segregate with childhood-onset severe retinal dystrophy through the proband plus 1 similarly affected relative in two independent families, with the variant present in the homozygous state (PP1_Moderate; PMIDs: 10873396, 16123401). In summary, this variant meets the criteria to be classified as Pathogenic for AIPL1-related retinopathy based on the ACMG/AMP criteria applied, as specified by the ClinGen LCA/eoRD VCEP: PVS1, PP1_Moderate, PM3, and PM2_Supporting. (VCEP specifications version 1.0.0; date of approval 09/24/2025).

3billion
Classification: Pathogenic for Leber congenital amaurosis 4. Last evaluated: 2025-11-24. Review status: criteria provided, single submitter. Criteria: ACMG Guidelines, 2015. Collection method: clinical testing. Allele origin: germline. Affected: yes. Not counted in ClinVar's aggregate classification.
Comment: The variant is observed at an extremely low frequency in the gnomAD v4.1.0 dataset (total allele frequency: <0.001%). Predicted Consequence/Location: Stop-gained (nonsense): predicted to result in a loss or disruption of normal protein function through nonsense-mediated decay (NMD) or protein truncation. Multiple pathogenic variants are reported downstream of the variant. The variant has been reported multiple times as an established pathogenic variant (ClinVar ID: VCV000099804 /PMID: 10873396 /3billion dataset). Therefore, this variant is classified as Pathogenic according to the recommendation of ACMG/AMP guideline.

Labcorp Genetics (formerly Invitae), Labcorp
Classification: Pathogenic for Leber congenital amaurosis 4. Last evaluated: 2025-02-23. Review status: criteria provided, single submitter. Criteria: Invitae Variant Classification Sherloc (09022015). Collection method: clinical testing. Allele origin: germline. Not counted in ClinVar's aggregate classification.
Comment: This sequence change creates a premature translational stop signal (p.Gln163*) in the AIPL1 gene. It is expected to result in an absent or disrupted protein product. Loss-of-function variants in AIPL1 are known to be pathogenic (PMID: 10615133, 15249368, 15347646). This variant is not present in population databases (gnomAD no frequency). This premature translational stop signal has been observed in individual(s) with Leber congenital amaurosis (PMID: 10873396). ClinVar contains an entry for this variant (Variation ID: 99804). For these reasons, this variant has been classified as Pathogenic.

Retina International
No classification provided. Review status: no classification provided. Collection method: not provided. Allele origin: not provided. Not counted in ClinVar's aggregate classification.

Literature cited by the submitters: PubMed 10873396 (cited by 3billion and Labcorp Genetics (formerly Invitae), Labcorp); PubMed 10615133 (cited by Labcorp Genetics (formerly Invitae), Labcorp); PubMed 15249368 (cited by Labcorp Genetics (formerly Invitae), Labcorp); PubMed 15347646 (cited by Labcorp Genetics (formerly Invitae), Labcorp).

NM_014336.5(AIPL1):c.487C>T (p.Gln163Ter)

Gene: AIPL1 (AIP like 1 HSP90 co-chaperone; minus strand). Cytogenetic location: 17p13.2.
Variant type: single nucleotide variant.
Coding change: c.487C>T on transcript NM_014336.5 (MANE Select); coding-DNA position 487, C replaced by T.
Protein change: p.Gln163Ter; replaces glutamine 163 with a stop codon.
Molecular consequence: nonsense. On other transcripts: intron variant (1).
Genome position (GRCh38, 1-based): chr17:6,427,036, G>A on the plus strand (C>T on the coding strand, the complement: AIPL1 is on the minus strand). VCF-style: chr17-6427036-G-A. GRCh37 (hg19) VCF-style: chr17-6330356-G-A.
Other names: NM_014336.5(AIPL1):c.487C>T; p.Gln163Ter; c.298C>T, p.Gln100Ter (NM_001033054.3); c.307C>T, p.Gln103Ter (NM_001033055.3); c.451C>T, p.Gln151Ter (NM_001285399.3); c.421C>T, p.Gln141Ter (NM_001285400.3); c.487C>T, p.Gln163Ter (NM_001285401.3); c.370C>T, p.Gln124Ter (NM_001285402.2); and 1 more; short protein forms Q163*, Q103*, Q151*, Q100*, Q124*, Q141*.
Identifiers: ClinVar variation 99804 (VCV000099804.5), dbSNP rs62637009, ClinGen allele CA227884.
Genomic context (GRCh38, chr17:6,427,036, plus strand): 5'-CGTGGAGGACGGGCACCGCCTTCATCTTCTCATGATTGCTCAGGTTCCAGGTCTCCCTCT[G>A]GTAATCACTCGGGGCATCAACCTGGCCCCAGAGCTGCAGGTCAGTGAGGCAGGGACCCCA-3'